The following is an entry in ClinVar:

NM_001267550.2(TTN):c.52943A>G (p.Asn17648Ser)

Genes: TTN (titin; minus strand), TTN-AS1 (TTN antisense RNA 1; plus strand), LOC126806425 (BRD4-independent group 4 enhancer GRCh37_chr2:179471933-179473132; plus strand). Cytogenetic location: 2q31.2.
Variant type: single nucleotide variant.
Coding change: c.52943A>G on transcript NM_001267550.2 (MANE Select); coding-DNA position 52943, A replaced by G.
Protein change: p.Asn17648Ser; replaces asparagine 17648 with serine.
Molecular consequence: missense variant.
Genome position (GRCh38, 1-based): chr2:178,607,844, T>C on the plus strand (A>G on the coding strand, the complement: TTN is on the minus strand). VCF-style: chr2-178607844-T-C. GRCh37 (hg19) VCF-style: chr2-179472571-T-C.
Other names: c.48020A>G, p.Asn16007Ser (NM_001256850.1); c.25748A>G, p.Asn8583Ser (NM_003319.4); c.45239A>G, p.Asn15080Ser (NM_133378.4); c.26123A>G, p.Asn8708Ser (NM_133432.3); c.26324A>G, p.Asn8775Ser (NM_133437.4); short protein forms N8775S, N16007S, N15080S, N17648S, N8583S, N8708S.
Identifiers: ClinVar variation 4985297 (VCV004985297.1).

ClinVar aggregate classification (germline): Uncertain significance (1 of 4 stars; one submission).

Conditions:
TTN-related disorder. Also called: TTN-related disorders; TTN-related condition; TTN-related disease.

gnomAD v4.1: 9 of 1,613,066 alleles (0.00056%); highest among the groups gnomAD compares: Admixed American, 0.0017%; no homozygotes.

Submission:

PreventionGenetics, part of Exact Sciences
Classification: Uncertain significance for TTN-related condition. Last evaluated: 2026-03-03. Review status: criteria provided, single submitter. Criteria: ACMG Guidelines, 2015. Collection method: clinical testing. Allele origin: germline.
Comment: The TTN c.52943A>G variant is predicted to result in the amino acid substitution p.Asn17648Ser. To our knowledge, this variant has not been reported in the literature. This variant is reported in 0.00089% of alleles in individuals of European (Non-Finnish) descent in gnomAD. At this time, the clinical significance of this variant is uncertain due to the absence of conclusive functional and genetic evidence.